The following is an entry in ClinVar:

NM_024685.4(BBS10):c.861A>G (p.Gln287=)

Gene: BBS10 (Bardet-Biedl syndrome 10; minus strand). Cytogenetic location: 12q21.2.
Variant type: single nucleotide variant.
Coding change: c.861A>G on transcript NM_024685.4 (MANE Select); coding-DNA position 861, A replaced by G.
Protein change: p.Gln287=; no amino-acid change (glutamine 287 retained).
Molecular consequence: synonymous variant.
Genome position (GRCh38, 1-based): chr12:76,347,124, T>C on the plus strand (A>G on the coding strand, the complement: BBS10 is on the minus strand). VCF-style: chr12-76347124-T-C. GRCh37 (hg19) VCF-style: chr12-76740904-T-C.
Identifiers: ClinVar variation 698932 (VCV000698932.12), dbSNP rs753223078, ClinGen allele CA6694271.

ClinVar aggregate classification (germline): Likely benign. Review status: criteria provided, multiple submitters, no conflicts (2 of 4 stars). 3 submissions from 3 submitters: Likely benign (2). 1 of the submissions does not count toward it. Last evaluated 2025-06-04.

Conditions:
BBS10-related disorder. Also called: BBS10-related condition.
Bardet-Biedl syndrome (BBS). Identifiers: Orphanet 110, MedGen C0752166, MONDO:0015229.
Bardet-Biedl syndrome 10 (BBS10). Identifiers: Orphanet 110, MedGen C1859568, MONDO:0014438, OMIM 615987.

Allele frequency attached by ClinVar (database versions not stated): gnomAD exomes 0.00001 and 0.00004; ExAC 0.00002; gnomAD 0.00002; TOPMed 0.00003.
gnomAD v4.1: 17 of 1,612,096 alleles (0.0011%); highest among the groups gnomAD compares: African/African-American, 0.0067%; no homozygotes.

Submissions (3):

Labcorp Genetics (formerly Invitae), Labcorp
Classification: Likely benign for Bardet-Biedl syndrome. Last evaluated: 2025-06-04. Review status: criteria provided, single submitter. Criteria: Invitae Variant Classification Sherloc (09022015). Collection method: clinical testing. Allele origin: germline.

Fulgent Genetics
Classification: Likely benign for Bardet-Biedl syndrome 10. Last evaluated: 2021-10-04. Review status: criteria provided, single submitter. Criteria: ACMG Guidelines, 2015. Collection method: clinical testing. Allele origin: unknown.

PreventionGenetics, part of Exact Sciences
Classification: Likely benign for BBS10-related condition. Last evaluated: 2024-04-30. Review status: no assertion criteria provided. Collection method: clinical testing. Allele origin: germline. Not counted in ClinVar's aggregate classification.
Comment: This variant is classified as likely benign based on ACMG/AMP sequence variant interpretation guidelines (Richards et al. 2015 PMID: 25741868, with internal and published modifications).